The following is an entry in ClinVar:

NM_000824.5(GLRB):c.873C>A (p.Asn291Lys)

Gene: GLRB (glycine receptor beta; plus strand). Cytogenetic location: 4q32.1.
Variant type: single nucleotide variant.
Coding change: c.873C>A on transcript NM_000824.5 (MANE Select); coding-DNA position 873, C replaced by A.
Protein change: p.Asn291Lys; replaces asparagine 291 with lysine.
Molecular consequence: missense variant.
Genome position (GRCh38, 1-based): chr4:157,143,928, C>A. VCF-style: chr4-157143928-C-A. GRCh37 (hg19) VCF-style: chr4-158065080-C-A.
Other names: c.873C>A, p.Asn291Lys (NM_001166060.2, NM_001166061.2); short protein forms N291K.
Identifiers: ClinVar variation 1448858 (VCV001448858.6), dbSNP rs1736710455, ClinGen allele CA358644126.

ClinVar aggregate classification (germline): Uncertain significance (1 of 4 stars; one submission).

Conditions:
Hyperekplexia 2 (HKPX2). Identifiers: Orphanet 3197, MedGen C3553291, MONDO:0013828, OMIM 614619.

Allele frequency attached by ClinVar (database versions not stated): gnomAD 0.00002; TOPMed 0.00002.
gnomAD v4.1: 3 of 1,613,948 alleles (0.00019%); highest among the groups gnomAD compares: Admixed American, 0.005%; no homozygotes.

Submission:

Labcorp Genetics (formerly Invitae), Labcorp
Classification: Uncertain significance for Hyperekplexia 2. Last evaluated: 2024-05-29. Review status: criteria provided, single submitter. Criteria: Invitae Variant Classification Sherloc (09022015). Collection method: clinical testing. Allele origin: germline.
Comment: This sequence change replaces asparagine, which is neutral and polar, with lysine, which is basic and polar, at codon 291 of the GLRB protein (p.Asn291Lys). This variant is not present in population databases (gnomAD no frequency). This variant has not been reported in the literature in individuals affected with GLRB-related conditions. ClinVar contains an entry for this variant (Variation ID: 1448858). Advanced modeling of protein sequence and biophysical properties (such as structural, functional, and spatial information, amino acid conservation, physicochemical variation, residue mobility, and thermodynamic stability) performed at Invitae indicates that this missense variant is not expected to disrupt GLRB protein function with a negative predictive value of 80%. In summary, the available evidence is currently insufficient to determine the role of this variant in disease. Therefore, it has been classified as a Variant of Uncertain Significance.